The following is an entry in ClinVar:

NM_007294.4(BRCA1):c.4045A>C (p.Thr1349Pro)

Genes: BRCA1 (BRCA1 DNA repair associated; minus strand), LOC126862571 (BRD4-independent group 4 enhancer GRCh37_chr17:41243136-41244335; plus strand). Cytogenetic location: 17q21.31.
Variant type: single nucleotide variant.
Coding change: c.4045A>C on transcript NM_007294.4 (MANE Select); coding-DNA position 4045, A replaced by C.
Protein change: p.Thr1349Pro; replaces threonine 1349 with proline.
Molecular consequence: missense variant. On other transcripts: intron variant (135).
Genome position (GRCh38, 1-based): chr17:43,091,486, T>G on the plus strand (A>C on the coding strand, the complement: BRCA1 is on the minus strand). VCF-style: chr17-43091486-T-G. GRCh37 (hg19) VCF-style: chr17-41243503-T-G.
Other names: c.3832A>C, p.Thr1278Pro (NM_001407899.1, NM_001407915.1, NM_001407916.1 and 9 more transcripts); c.3835A>C, p.Thr1279Pro (NM_001407900.1, NM_001407902.1, NM_001407904.1 and 13 more transcripts); c.3922A>C, p.Thr1308Pro (NM_001407919.1, NM_001407937.1, NM_001407938.1 and 19 more transcripts); c.3781A>C, p.Thr1261Pro (NM_001407920.1, NM_001407921.1, NM_001407922.1 and 9 more transcripts); c.3778A>C, p.Thr1260Pro (NM_001407930.1, NM_001407931.1, NM_001407932.1 and 2 more transcripts); c.3919A>C, p.Thr1307Pro (NM_001407940.1, NM_001407941.1, NM_001407649.1 and 11 more transcripts); c.3904A>C, p.Thr1302Pro (NM_001407942.1, NM_001407944.1, NM_001407945.1 and 29 more transcripts); c.3901A>C, p.Thr1301Pro (NM_001407943.1, NM_001407964.1, NM_001407740.1 and 20 more transcripts); and 41 more; short protein forms T1349P, T1302P, T1221P, T1278P, T1307P, T1322P, T1053P, T1222P.
Identifiers: ClinVar variation 55084 (VCV000055084.22), dbSNP rs80357231, ClinGen allele CA002583.

ClinVar aggregate classification (germline): Conflicting classifications of pathogenicity. Review status: criteria provided, conflicting classifications (1 of 4 stars). 6 submissions from 6 submitters: Uncertain significance (4); Likely benign (1). 1 of the submissions does not count toward it. Last evaluated 2025-12-05.

Conditions:
Hereditary cancer-predisposing syndrome. Also called: Hereditary Cancer Syndrome; Hereditary neoplastic syndrome; Neoplastic Syndromes, Hereditary; Tumor predisposition. Identifiers: Orphanet 140162, MedGen C0027672, MeSH D009386, MONDO:0015356.
Breast-ovarian cancer, familial, susceptibility to, 1 (BROVCA1). Also called: BRCA1 Hereditary Breast and Ovarian Cancer; OVARIAN CANCER, SUSCEPTIBILITY TO. Identifiers: Orphanet 145, MedGen C2676676, MONDO:0011450, OMIM 604370. Disease mechanism: loss of function.
Hereditary breast ovarian cancer syndrome. Also called: BRCA1- and BRCA2-Associated Hereditary Breast and Ovarian Cancer; Hereditary breast and ovarian cancer syndrome; Hereditary breast and ovarian cancer syndrome (HBOC); Breast and ovarian cancer; Hereditary breast and/or ovarian cancer syndrome; Hereditary breast and ovarian cancer. Identifiers: Orphanet 145, MedGen C0677776, MeSH D061325, MONDO:0003582. Disease mechanism: loss of function.

Allele frequency attached by ClinVar (database versions not stated): gnomAD exomes 0.00002; ExAC 0.00001; gnomAD 0.00001.
gnomAD v4.1: 27 of 1,613,404 alleles (0.0017%); highest among the groups gnomAD compares: Middle Eastern, 0.016%; no homozygotes.

Submissions (6):

Labcorp Genetics (formerly Invitae), Labcorp
Classification: Uncertain significance for Hereditary breast ovarian cancer syndrome. Last evaluated: 2025-12-05. Review status: criteria provided, single submitter. Criteria: Invitae Variant Classification Sherloc (09022015). Collection method: clinical testing. Allele origin: germline.
Comment: This sequence change replaces threonine, which is neutral and polar, with proline, which is neutral and non-polar, at codon 1349 of the BRCA1 protein (p.Thr1349Pro). This variant is present in population databases (rs80357231, gnomAD 0.02%). This variant has not been reported in the literature in individuals affected with BRCA1-related conditions. ClinVar contains an entry for this variant (Variation ID: 55084). Invitae Evidence Modeling of protein sequence and biophysical properties (such as structural, functional, and spatial information, amino acid conservation, physicochemical variation, residue mobility, and thermodynamic stability) indicates that this missense variant is not expected to disrupt BRCA1 protein function with a negative predictive value of 80%. In summary, the available evidence is currently insufficient to determine the role of this variant in disease. Therefore, it has been classified as a Variant of Uncertain Significance.

Ambry Genetics
Classification: Uncertain significance for Hereditary cancer-predisposing syndrome. Last evaluated: 2025-08-21. Review status: criteria provided, single submitter. Criteria: Ambry Variant Classification Scheme 2023. Collection method: clinical testing. Allele origin: germline.
Comment: The p.T1349P variant (also known as c.4045A>C), located in coding exon 9 of the BRCA1 gene, results from an A to C substitution at nucleotide position 4045. The threonine at codon 1349 is replaced by proline, an amino acid with highly similar properties. This alteration has been identified in multiple individuals diagnosed with breast cancer (Abdel-Razeq H et al. Front Oncol, 2022 Mar;12:673094; Yao L et al. J Hum Genet, 2022 Nov;67:639-642). This amino acid position is not well conserved in available vertebrate species, and proline is the reference amino acid in other vertebrate species. In addition, this alteration is predicted to be tolerated by in silico analysis. Based on the available evidence, the clinical significance of this variant remains unclear.

All of Us Research Program, National Institutes of Health
Classification: Uncertain significance for Breast-ovarian cancer, familial, susceptibility to, 1. Last evaluated: 2023-08-28. Review status: criteria provided, single submitter. Criteria: ACMG Guidelines, 2015. Collection method: clinical testing. Allele origin: germline. Inheritance: Autosomal dominant inheritance. Observed: 2 variant alleles, 2 heterozygotes.
Comment: This missense variant replaces threonine with proline at codon 1349 of the BRCA1 protein. Computational prediction suggests that this variant may not impact protein structure and function (internally defined REVEL score threshold <= 0.5, PMID: 27666373). To our knowledge, functional studies have not been reported for this variant. This variant has been reported in a breast cancer case-control meta-analysis in 1/60465 cases and 1/53460 unaffected individuals (PMID: 33471991; Leiden Open Variation Database DB-ID BRCA1_000286). This variant has been identified in 5/282502 chromosomes in the general population by the Genome Aggregation Database (gnomAD). The available evidence is insufficient to determine the role of this variant in disease conclusively. Therefore, this variant is classified as a Variant of Uncertain Significance.

This study involves interpretation of variants in research participants for the purpose of population health screening. Participant phenotype was not available at the time of variant classification. Additional details can be found in publication PMID: 35346344, PMCID: PMC8962531

Color Diagnostics, LLC DBA Color Health
Classification: Uncertain significance for Hereditary cancer-predisposing syndrome. Last evaluated: 2023-04-20. Review status: criteria provided, single submitter. Criteria: ACMG Guidelines, 2015. Collection method: clinical testing. Allele origin: germline.
Comment: This missense variant replaces threonine with proline at codon 1349 of the BRCA1 protein. Computational prediction suggests that this variant may not impact protein structure and function (internally defined REVEL score threshold <= 0.5, PMID: 27666373). To our knowledge, functional studies have not been reported for this variant. This variant has been reported in a breast cancer case-control meta-analysis in 1/60466 cases and 1/53461 unaffected individuals (PMID: 33471991; Leiden Open Variation Database DB-ID BRCA1_000286). This variant has been identified in 5/282502 chromosomes in the general population by the Genome Aggregation Database (gnomAD). The available evidence is insufficient to determine the role of this variant in disease conclusively. Therefore, this variant is classified as a Variant of Uncertain Significance.

University of Washington Department of Laboratory Medicine, University of Washington
Classification: Likely benign for Hereditary cancer-predisposing syndrome. Last evaluated: 2023-03-23. Review status: criteria provided, single submitter. Criteria: Dines et al. (Genet Med. 2020). Collection method: curation. Allele origin: germline.
Comment: Missense variant in a coldspot region where missense variants are very unlikely to be pathogenic (PMID:31911673).

BRCA1 coldspot (exon 11 using historical exon numbering). Reclassification based on statistical prior probability

Breast Cancer Information Core (BIC) (BRCA1)
Classification: Uncertain significance for Breast-ovarian cancer, familial 1. Last evaluated: 1999-04-05. Review status: no assertion criteria provided. Collection method: clinical testing. Allele origin: germline. Affected: yes. Observed: 1 variant allele. Not counted in ClinVar's aggregate classification.

Literature cited by the submitters: PubMed 15235020 (cited by Ambry Genetics); PubMed 35402282 (cited by Ambry Genetics); PubMed 35864222 (cited by Ambry Genetics); PubMed 33471991 (cited by All of Us Research Program, National Institutes of Health and Color Diagnostics, LLC DBA Color Health).